The following is an entry in ClinVar:

ClinVar aggregate classification (germline): Uncertain significance (1 of 4 stars; one submission).

Conditions:
Neurodevelopmental disorder. Identifiers: MedGen C1535926, MeSH D065886, MONDO:0700092.

Allele frequency attached by ClinVar (database versions not stated): gnomAD exomes below 0.00001.
gnomAD v4.1: 1 of 1,613,814 alleles (0.000062%); highest among the groups gnomAD compares: Non-Finnish European, 0.000085%; no homozygotes.

Submission:

Victorian Clinical Genetics Services, Murdoch Childrens Research Institute
Classification: Uncertain significance for Neurodevelopmental disorder. Last evaluated: 2022-06-24. Review status: criteria provided, single submitter. Criteria: ACMG Guidelines, 2015. Collection method: clinical testing. Allele origin: germline. Inheritance: Autosomal dominant inheritance. Affected: yes.
Comment: Based on the classification scheme VCGS_Germline_v1.3.4, this variant is classified as VUS-3A. Following criteria are met: 0105 - The mechanism of disease for this gene is not clearly established for Shprintzen-Goldberg syndrome (MIM#182212). Both up- and down-regulation of the TGF-B signalling pathway has been demonstrated using patient fibroblasts (PMID: 23023332, 33416497). (I) 0107 - This gene is associated with autosomal dominant disease. Missense variants have been reported in individuals with Shprintzen-Goldberg syndrome (MIM#182212) (PMID: 23023332). Heterozygous variants resulting in a premature termination codon have been identified in individuals with milder intellectual disability (unpublished evidence obtained by personal communication). ((I) 0201 - Variant is predicted to cause nonsense-mediated decay (NMD) and loss of protein (premature termination codon is located at least 54 nucleotides upstream of the final exon-exon junction). (SP) 0251 - This variant is heterozygous. (I) 0301 - Variant is absent from gnomAD (both v2 and v3). (SP) 0705 - No comparable NMD-predicted variants have previous evidence for pathogenicity. It was noted that there is a single pathogenic NMD-predicted variant in ClinVar by a diagnostic laboratory. However, no evidence was provided and given that loss-of-function is not an established mechanism, this entry was not taken into consideration during our classification. (I) 0809 - Previous evidence of pathogenicity for this variant is inconclusive. It has been found de novo in an individual with abnormality of the nervous system and classified as a VUS (DECIPHER); and de novo in an individual with autism spectrum disorder, though it was noted that the genes selected for analysis were identified via a modelling system and not phenotype driven (PMID: 25363760). (I) 0905 - No published segregation evidence has been identified for this variant. (I) 1007 - No published functional evidence has been identified for this variant. (I) 1208 - Inheritance information for this variant is not currently available in this individual. (I) Legend: (SP) - Supporting pathogenic, (I) - Information, (SB) - Supporting benign

Literature cited by the submitters: PubMed 23023332; PubMed 25363760; PubMed 33416497.

NM_003036.4(SKI):c.1138C>T (p.Arg380Ter)

Gene: SKI (SKI proto-oncogene; plus strand). Cytogenetic location: 1p36.32.
Variant type: single nucleotide variant.
Coding change: c.1138C>T on transcript NM_003036.4 (MANE Select); coding-DNA position 1138, C replaced by T.
Protein change: p.Arg380Ter; replaces arginine 380 with a stop codon.
Molecular consequence: nonsense.
Genome position (GRCh38, 1-based): chr1:2,303,327, C>T. VCF-style: chr1-2303327-C-T. GRCh37 (hg19) VCF-style: chr1-2234766-C-T.
Other names: short protein forms R380*.
Identifiers: ClinVar variation 1805463 (VCV001805463.1), dbSNP rs1640474693, ClinGen allele CA337954447.